The following is an entry in ClinVar:

ClinVar aggregate classification (germline): Uncertain significance (1 of 4 stars; one submission).

Conditions:
Familial thoracic aortic aneurysm and aortic dissection (TAAD). Also called: Thoracic aortic aneurysms and dissections. Identifiers: Orphanet 91387, MedGen C4707243, MONDO:0019625.

gnomAD v4.1: 1 of 1,607,742 alleles (0.000062%); highest among the groups gnomAD compares: Non-Finnish European, 0.000085%; no homozygotes.

Submission:

Ambry Genetics
Classification: Uncertain significance for Familial thoracic aortic aneurysm and aortic dissection. Last evaluated: 2025-02-04. Review status: criteria provided, single submitter. Criteria: Ambry Variant Classification Scheme 2023. Collection method: clinical testing. Allele origin: germline.
Comment: The p.L543P variant (also known as c.1628T>C), located in coding exon 15 of the PLOD1 gene, results from a T to C substitution at nucleotide position 1628. The leucine at codon 543 is replaced by proline, an amino acid with similar properties. This amino acid position is conserved. In addition, this alteration is predicted to be deleterious by in silico analysis. Based on the available evidence, the clinical significance of this variant remains unclear.

NM_000302.4(PLOD1):c.1628T>C (p.Leu543Pro)

Gene: PLOD1 (procollagen-lysine,2-oxoglutarate 5-dioxygenase 1; plus strand). Cytogenetic location: 1p36.22.
Variant type: single nucleotide variant.
Coding change: c.1628T>C on transcript NM_000302.4 (MANE Select); coding-DNA position 1628, T replaced by C.
Protein change: p.Leu543Pro; replaces leucine 543 with proline.
Molecular consequence: missense variant.
Genome position (GRCh38, 1-based): chr1:11,966,294, T>C. VCF-style: chr1-11966294-T-C. GRCh37 (hg19) VCF-style: chr1-12026351-T-C.
Other names: c.1769T>C, p.Leu590Pro (NM_001316320.2); short protein forms L590P, L543P.
Identifiers: ClinVar variation 3890560 (VCV003890560.1).
Genomic context (GRCh38, chr1:11,966,294, plus strand): 5'-CTTCCCACTTCCCACAGGACTGGAAGGAGAAGTACATCCACCAGAACTACACCAAAGCCC[T>C]GGCAGGGAAGCTGGTGGAGACGGTAAGGGCCATGGACACCCTCTTGGACCAGCCTTGCCT-3'
Protein context (NP_000293.2, residues 533-553): KYIHQNYTKA[Leu543Pro]AGKLVETPCP